The following is an entry in ClinVar:

NM_001991.5(EZH1):c.607G>A (p.Asp203Asn)

Gene: EZH1 (enhancer of zeste 1 polycomb repressive complex 2 subunit; minus strand). Cytogenetic location: 17q21.2.
Variant type: single nucleotide variant.
Coding change: c.607G>A on transcript NM_001991.5 (MANE Select); coding-DNA position 607, G replaced by A.
Protein change: p.Asp203Asn; replaces aspartic acid 203 with asparagine.
Molecular consequence: missense variant.
Genome position (GRCh38, 1-based): chr17:42,720,330, C>T on the plus strand (G>A on the coding strand, the complement: EZH1 is on the minus strand). VCF-style: chr17-42720330-C-T. GRCh37 (hg19) VCF-style: chr17-40872348-C-T.
Other names: c.625G>A, p.Asp209Asn (NM_001321079.2); c.580G>A, p.Asp194Asn (NM_001321081.2); c.487G>A, p.Asp163Asn (NM_001321082.2); c.607G>A (NM_001991.4); short protein forms D209N, D163N, D203N, D194N.
Identifiers: ClinVar variation 4020654 (VCV004020654.2).

ClinVar aggregate classification (germline): Uncertain significance. Review status: criteria provided, multiple submitters, no conflicts (2 of 4 stars). 2 submissions from 2 submitters: Uncertain significance (2). Last evaluated 2025-03-18.

gnomAD v4.1: 21 of 1,614,038 alleles (0.0013%); highest among the groups gnomAD compares: Admixed American, 0.027%; no homozygotes.

Submissions (2):

Ambry Genetics
Classification: Uncertain significance. Last evaluated: 2025-03-18. Review status: criteria provided, single submitter. Criteria: Ambry Variant Classification Scheme 2023. Collection method: clinical testing. Allele origin: germline.

GeneDx
Classification: Uncertain significance. Last evaluated: 2025-01-19. Review status: criteria provided, single submitter. Criteria: GeneDx Variant Classification Process June 2021. Collection method: clinical testing. Allele origin: germline. Affected: yes.
Comment: In silico analysis indicates that this missense variant does not alter protein structure/function; Has not been previously published as pathogenic or benign to our knowledge